The following is an entry in ClinVar:

ClinVar aggregate classification (germline): Uncertain significance (1 of 4 stars; one submission).

Allele frequency attached by ClinVar (database versions not stated): ExAC 0.00001; gnomAD 0.00001; gnomAD exomes 0.00001; TOPMed 0.00001.
gnomAD v4.1: 12 of 1,613,706 alleles (0.00074%); highest among the groups gnomAD compares: Admixed American, 0.0033%; no homozygotes.

Submission:

GeneDx
Classification: Uncertain significance. Last evaluated: 2023-02-02. Review status: criteria provided, single submitter. Criteria: GeneDx Variant Classification Process June 2021. Collection method: clinical testing. Allele origin: germline. Affected: yes.
Comment: In silico analysis supports that this missense variant does not alter protein structure/function; Has not been previously published as pathogenic or benign to our knowledge

NM_030632.3(ASXL3):c.4540G>A (p.Val1514Met)

Gene: ASXL3 (ASXL transcriptional regulator 3; plus strand). Cytogenetic location: 18q12.1.
Variant type: single nucleotide variant.
Coding change: c.4540G>A on transcript NM_030632.3 (MANE Select); coding-DNA position 4540, G replaced by A.
Protein change: p.Val1514Met; replaces valine 1514 with methionine.
Molecular consequence: missense variant.
Genome position (GRCh38, 1-based): chr18:33,744,388, G>A. VCF-style: chr18-33744388-G-A. GRCh37 (hg19) VCF-style: chr18-31324352-G-A.
Other names: short protein forms V1514M.
Identifiers: ClinVar variation 2574825 (VCV002574825.1), dbSNP rs763251902, ClinGen allele CA8934284.